The following is an entry in ClinVar:

NM_000057.4(BLM):c.4096A>C (p.Lys1366Gln)

Gene: BLM (BLM RecQ like helicase; plus strand). Cytogenetic location: 15q26.1.
Variant type: single nucleotide variant.
Coding change: c.4096A>C on transcript NM_000057.4 (MANE Select); coding-DNA position 4096, A replaced by C.
Protein change: p.Lys1366Gln; replaces lysine 1366 with glutamine.
Molecular consequence: missense variant.
Genome position (GRCh38, 1-based): chr15:90,815,121, A>C. VCF-style: chr15-90815121-A-C. GRCh37 (hg19) VCF-style: chr15-91358351-A-C.
Other names: c.4096A>C, p.Lys1366Gln (NM_001287246.2); c.3703A>C, p.Lys1235Gln (NM_001287247.2); c.2971A>C, p.Lys991Gln (NM_001287248.2); short protein forms K1366Q, K991Q, K1235Q.
Identifiers: ClinVar variation 3824437 (VCV003824437.1).

ClinVar aggregate classification (germline): Uncertain significance (1 of 4 stars; one submission).

Conditions:
Hereditary cancer-predisposing syndrome. Also called: Hereditary neoplastic syndrome; Neoplastic Syndromes, Hereditary; Tumor predisposition; Hereditary Cancer Syndrome. Identifiers: Orphanet 140162, MedGen C0027672, MeSH D009386, MONDO:0015356.

Submission:

Ambry Genetics
Classification: Uncertain significance for Hereditary cancer-predisposing syndrome. Last evaluated: 2024-12-23. Review status: criteria provided, single submitter. Criteria: Ambry Variant Classification Scheme 2023. Collection method: clinical testing. Allele origin: germline.
Comment: The p.K1366Q variant (also known as c.4096A>C), located in coding exon 21 of the BLM gene, results from an A to C substitution at nucleotide position 4096. The lysine at codon 1366 is replaced by glutamine, an amino acid with similar properties. This amino acid position is conserved. In addition, this alteration is predicted to be tolerated by in silico analysis. Based on the available evidence, the clinical significance of this variant remains unclear.